The following is an entry in ClinVar:

NM_001267550.2(TTN):c.15861G>A (p.Thr5287=)

Gene: TTN (titin; minus strand). Cytogenetic location: 2q31.2.
Variant type: single nucleotide variant.
Coding change: c.15861G>A on transcript NM_001267550.2 (MANE Select); coding-DNA position 15861, G replaced by A.
Protein change: p.Thr5287=; no amino-acid change (threonine 5287 retained).
Molecular consequence: synonymous variant. On other transcripts: intron variant (3).
Genome position (GRCh38, 1-based): chr2:178,733,432, C>T on the plus strand (G>A on the coding strand, the complement: TTN is on the minus strand). VCF-style: chr2-178733432-C-T. GRCh37 (hg19) VCF-style: chr2-179598159-C-T.
Other names: c.14910G>A, p.Thr4970= (NM_001256850.1); c.12129G>A, p.Thr4043= (NM_133378.4); c.13282+4650G>A (NM_003319.4); c.13858+4650G>A (NM_133437.4); c.13657+4650G>A (NM_133432.3).
Identifiers: ClinVar variation 263652 (VCV000263652.36), dbSNP rs370299812, ClinGen allele CA2002140.

ClinVar aggregate classification (germline): Likely benign. Review status: criteria provided, multiple submitters, no conflicts (2 of 4 stars). 6 submissions from 6 submitters: Likely benign (6). Last evaluated 2026-05-09.

Conditions:
Cardiovascular phenotype. Identifiers: MedGen CN230736.
TTN-related disorder. Also called: TTN-related disorders; TTN-related condition; TTN-related disease.
Autosomal recessive limb-girdle muscular dystrophy type 2J (LGMDR10). Also called: Limb-girdle muscular dystrophy, type 2J; MUSCULAR DYSTROPHY, LIMB-GIRDLE, AUTOSOMAL RECESSIVE 10. Identifiers: Orphanet 140922, MedGen C1837342, MONDO:0012127, OMIM 608807.
Dilated cardiomyopathy 1G (CMD1G). Identifiers: Orphanet 154, MedGen C1858763, MONDO:0011400, OMIM 604145.

Allele frequency attached by ClinVar (database versions not stated): TOPMed below 0.00001; gnomAD 0.00001; ExAC 0.00002; gnomAD exomes 0.00002; ESP Exome Variant Server 0.00008.
gnomAD v4.1: 36 of 1,613,648 alleles (0.0022%); highest among the groups gnomAD compares: Admixed American, 0.0067%; 1 homozygote.

Submissions (6):

PreventionGenetics, part of Exact Sciences
Classification: Likely benign for TTN-related condition. Last evaluated: 2026-05-09. Review status: criteria provided, single submitter. Criteria: ACMG Guidelines, 2015. Collection method: clinical testing. Allele origin: germline.
Comment: This variant is classified as likely benign based on ACMG/AMP sequence variant interpretation guidelines (Richards et al. 2015 PMID: 25741868, with internal and published modifications).

Labcorp Genetics (formerly Invitae), Labcorp
Classification: Likely benign for Dilated cardiomyopathy 1G; Autosomal recessive limb-girdle muscular dystrophy type 2J. Last evaluated: 2026-01-18. Review status: criteria provided, single submitter. Criteria: Invitae Variant Classification Sherloc (09022015). Collection method: clinical testing. Allele origin: germline.

Blueprint Genetics
Classification: Likely benign. Last evaluated: 2023-12-13. Review status: criteria provided, single submitter. Criteria: ACMG Guidelines, 2015. Collection method: clinical testing. Allele origin: germline.

CeGaT Center for Human Genetics Tuebingen
Classification: Likely benign. Last evaluated: 2022-08-01. Review status: criteria provided, single submitter. Criteria: CeGaT Center For Human Genetics Tuebingen Variant Classification Criteria Version 2. Collection method: clinical testing. Allele origin: germline. Affected: yes. Observed: 1 variant allele.
Comment: TTN: BP4, BP7

GeneDx
Classification: Likely benign. Last evaluated: 2021-05-05. Review status: criteria provided, single submitter. Criteria: GeneDx Variant Classification Process June 2021. Collection method: clinical testing. Allele origin: germline. Affected: yes.

Ambry Genetics
Classification: Likely benign for Cardiovascular phenotype. Last evaluated: 2013-06-10. Review status: criteria provided, single submitter. Criteria: Ambry Autosomal Dominant and X-Linked criteria (10/2015). Collection method: clinical testing. Allele origin: germline. Observed: 1 variant allele.